The following is an entry in ClinVar:

NM_001039591.3(USP9X):c.689C>G (p.Thr230Ser)

Gene: USP9X (ubiquitin specific peptidase 9 X-linked; plus strand). Cytogenetic location: Xp11.4.
Variant type: single nucleotide variant.
Coding change: c.689C>G on transcript NM_001039591.3 (MANE Select); coding-DNA position 689, C replaced by G.
Protein change: p.Thr230Ser; replaces threonine 230 with serine.
Molecular consequence: missense variant.
Genome position (GRCh38, 1-based): chrX:41,140,690, C>G. VCF-style: chrX-41140690-C-G. GRCh37 (hg19) VCF-style: chrX-40999943-C-G.
Other names: c.689C>G, p.Thr230Ser (NM_001039590.3, NM_001410748.1, NM_001410749.1 and 1 more transcripts); short protein forms T230S.
Identifiers: ClinVar variation 4282441 (VCV004282441.2).
Genomic context (GRCh38, chrX:41,140,690, plus strand): 5'-AACTTTTTTCATTAATTGTGTTACAGGGTTGGCTAGTGGATCTTCTCAACAAATTTGGCA[C>G]TTTAAATGGGTTCCAGATTTTGCATGATCGTTTTATTAATGGATCAGCATTAAACGTTCA-3'
Protein context (NP_001034680.2, residues 220-240): WLVDLLNKFG[Thr230Ser]LNGFQILHDR

ClinVar aggregate classification (germline): Uncertain significance (1 of 4 stars; one submission).

Submission:

GeneDx
Classification: Uncertain significance. Last evaluated: 2026-01-17. Review status: criteria provided, single submitter. Criteria: GeneDx Variant Classification Process June 2021. Collection method: clinical testing. Allele origin: germline.
Comment: Not observed at significant frequency in large population cohorts (gnomAD); In silico analysis suggests that this missense variant does not alter protein structure/function; Has not been previously published as pathogenic or benign to our knowledge